The following is an entry in ClinVar:

NM_000169.3(GLA):c.994del (p.Arg332fs)

Genes: GLA (galactosidase alpha; minus strand), RPL36A-HNRNPH2 (RPL36A-HNRNPH2 readthrough; plus strand). Cytogenetic location: Xq22.1.
Variant type: Deletion.
Coding change: c.994del on transcript NM_000169.3 (MANE Select); coding-DNA position 994, one base deleted (A; older notation c.994delA).
Protein change: p.Arg332fs; shifts the reading frame from arginine 332.
Molecular consequence: frameshift variant. On other transcripts: non-coding transcript variant (3), intron variant (2).
Genome position (GRCh38, 1-based): chrX:101,398,375, T deleted on the plus strand (A on the coding strand, the reverse complement: GLA is on the minus strand). VCF-style (leftmost placement, unchanged base first): chrX-101398374-CT-C. GRCh37 (hg19) VCF-style: chrX-100653362-CT-C.
Other names: c.1117del, p.Arg373fs (NM_001406747.1); c.994del, p.Arg332fs (NM_001406748.1); c.300+2918del (NM_001199973.2); c.177+6553del (NM_001199974.2); short protein forms R332fs, R373fs.
Identifiers: ClinVar variation 3061400 (VCV003061400.4), dbSNP rs869312458, ClinGen allele CA352497.

ClinVar aggregate classification (germline): Pathogenic. Review status: criteria provided, single submitter (1 of 4 stars). 2 submissions from 2 submitters: Pathogenic (1). 1 of the submissions does not count toward it. Last evaluated 2026-09-08.

Conditions:
GLA-related disorder. Also called: GLA-related condition.
Fabry disease. Also called: Fabry's disease; ALPHA-GALACTOSIDASE A DEFICIENCY; ANDERSON-FABRY DISEASE; CERAMIDE TRIHEXOSIDASE DEFICIENCY; GLA DEFICIENCY; HEREDITARY DYSTOPIC LIPIDOSIS. Identifiers: Orphanet 324, MedGen C0002986, MONDO:0010526, OMIM 301500, HP:0001071. Disease mechanism: Fabry disease is due to inactivating mutations in the X-linked GLA gene resulting in deficiency of the enzyme Alpha Galactosidase-A., loss of function.

Submissions (2):

Genomenon, Inc
Classification: Pathogenic for Fabry disease. Last evaluated: 2026-09-08. Review status: criteria provided, single submitter. Criteria: Genomenon Sequence Variant Interpretation Standards - Updated. Collection method: curation. Allele origin: germline. Affected: yes.
Comment: GLA p.Arg332AspfsTer16 (c.994del) is a frameshift variant that is predicted to introduce a premature termination codon and result in a truncated or absent protein product. This variant has been observed in at least one proband with clinical features consistent with Fabry disease (PMID:12428061). It is absent or not present at a significant frequency in gnomAD. In conclusion, we classify GLA p.Arg332AspfsTer16 (c.994del) as a pathogenic variant.

PreventionGenetics, part of Exact Sciences
Classification: Likely pathogenic for GLA-related condition. Last evaluated: 2024-02-16. Review status: no assertion criteria provided. Collection method: clinical testing. Allele origin: germline. Not counted in ClinVar's aggregate classification.
Comment: The GLA c.994delA variant is predicted to result in a frameshift and premature protein termination (p.Arg332Aspfs*16). This variant was reported in an individual with Fabry disease (Table 2, Germain et al 2002. PubMed ID: 12428061). This variant has not been reported in a large population database, indicating this variant is rare. Frameshift variants in GLA are expected to be pathogenic. Upstream and downstream loss-of-function variants have been described to be causative for Fabry disease. This variant is interpreted as likely pathogenic.

Literature cited by the submitters: PubMed 12428061 (cited by Genomenon, Inc).